The following is an entry in ClinVar:

NM_001783.4(CD79A):c.576C>A (p.Asn192Lys)

Genes: CD79A (CD79a molecule; plus strand), RPS19-CD79A (RPS19-CD79A readthrough; plus strand). Cytogenetic location: 19q13.2.
Variant type: single nucleotide variant.
Coding change: c.576C>A on transcript NM_001783.4 (MANE Select); coding-DNA position 576, C replaced by A.
Protein change: p.Asn192Lys; replaces asparagine 192 with lysine.
Molecular consequence: missense variant.
Genome position (GRCh38, 1-based): chr19:41,880,875, C>A. VCF-style: chr19-41880875-C-A. GRCh37 (hg19) VCF-style: chr19-42384942-C-A.
Other names: c.462C>A, p.Asn154Lys (NM_021601.4); short protein forms N192K, N154K.
Identifiers: ClinVar variation 2921072 (VCV002921072.1), dbSNP rs782780474, ClinGen allele CA9465681.

ClinVar aggregate classification (germline): Uncertain significance (1 of 4 stars; one submission).

Conditions:
Agammaglobulinemia 3, autosomal recessive (AGM3). Also called: AGAMMAGLOBULINEMIA 3; AGAMMAGLOBULINEMIA, AUTOSOMAL RECESSIVE, DUE TO CD79A DEFECT. Identifiers: MedGen C3150751, MONDO:0013288, OMIM 613501.

Allele frequency attached by ClinVar (database versions not stated): gnomAD 0.00001; TOPMed 0.00002.
gnomAD v4.1: 6 of 1,602,060 alleles (0.00037%); highest among the groups gnomAD compares: South Asian, 0.0023%; no homozygotes.

Submission:

ARUP Laboratories, Molecular Genetics and Genomics, ARUP Laboratories
Classification: Uncertain significance for Agammaglobulinemia 3, autosomal recessive. Last evaluated: 2023-09-11. Review status: criteria provided, single submitter. Criteria: ARUP Molecular Germline Variant Investigation Process 2024. Collection method: clinical testing. Allele origin: germline.
Comment: The CD79A c.576C>A; p.Asn192Lys variant (rs782780474), to our knowledge, is not reported in the medical literature or gene specific databases. This variant is only observed on one allele in the Genome Aggregation Database, indicating it is not a common polymorphism. Computational analyses are uncertain whether this variant is neutral or deleterious (REVEL: 0.195). Due to limited information, the clinical significance of this variant is uncertain at this time.